The following is an entry in ClinVar:

ClinVar aggregate classification (germline): Uncertain significance. Review status: criteria provided, multiple submitters, no conflicts (2 of 4 stars). 3 submissions from 3 submitters: Uncertain significance (3). Last evaluated 2025-12-16.

Conditions:
Inborn genetic diseases. Identifiers: MedGen C0950123, MeSH D030342.
Congenital stationary night blindness 1E. Also called: Night blindness, congenital stationary (complete), 1E, autosomal recessive. Identifiers: Orphanet 215, MedGen C3281215, MONDO:0013807, OMIM 614565.

Submissions (3):

Ambry Genetics
Classification: Uncertain significance for Inborn genetic diseases. Last evaluated: 2025-12-16. Review status: criteria provided, single submitter. Criteria: Ambry Variant Classification Scheme 2023. Collection method: clinical testing. Allele origin: germline.

Labcorp Genetics (formerly Invitae), Labcorp
Classification: Uncertain significance. Last evaluated: 2022-10-25. Review status: criteria provided, single submitter. Criteria: Invitae Variant Classification Sherloc (09022015). Collection method: clinical testing. Allele origin: germline.
Comment: In summary, the available evidence is currently insufficient to determine the role of this variant in disease. Therefore, it has been classified as a Variant of Uncertain Significance. Algorithms developed to predict the effect of missense changes on protein structure and function are either unavailable or do not agree on the potential impact of this missense change (SIFT: "Deleterious"; PolyPhen-2: "Probably Damaging"; Align-GVGD: "Class C0"). ClinVar contains an entry for this variant (Variation ID: 322998). This variant has not been reported in the literature in individuals affected with GPR179-related conditions. This variant is present in population databases (rs755044433, gnomAD 0.007%). This sequence change replaces asparagine, which is neutral and polar, with lysine, which is basic and polar, at codon 1158 of the GPR179 protein (p.Asn1158Lys).

Illumina Laboratory Services, Illumina
Classification: Uncertain significance for Congenital stationary night blindness 1E. Last evaluated: 2018-01-13. Review status: criteria provided, single submitter. Criteria: ICSL Variant Classification Criteria 13 December 2019. Collection method: clinical testing. Allele origin: germline.

NM_001004334.4(GPR179):c.3474C>A (p.Asn1158Lys)

Gene: GPR179 (G protein-coupled receptor 179; minus strand). Cytogenetic location: 17q12.
Variant type: single nucleotide variant.
Coding change: c.3474C>A on transcript NM_001004334.4 (MANE Select); coding-DNA position 3474, C replaced by A.
Protein change: p.Asn1158Lys; replaces asparagine 1158 with lysine.
Molecular consequence: missense variant.
Genome position (GRCh38, 1-based): chr17:38,330,095, G>T on the plus strand (C>A on the coding strand, the complement: GPR179 is on the minus strand). VCF-style: chr17-38330095-G-T. GRCh37 (hg19) VCF-style: chr17-36485978-G-T.
Other names: short protein forms N1158K.
Identifiers: ClinVar variation 322998 (VCV000322998.11), dbSNP rs755044433, ClinGen allele CA10645571.